The following is an entry in ClinVar:

ClinVar aggregate classification (germline): Uncertain significance. Review status: criteria provided, multiple submitters, no conflicts (2 of 4 stars). 2 submissions from 2 submitters: Uncertain significance (2). Last evaluated 2024-10-02.

Allele frequency attached by ClinVar (database versions not stated): ExAC 0.00002; gnomAD 0.00005; gnomAD exomes 0.00005; TOPMed 0.00006.

Submissions (2):

Labcorp Genetics (formerly Invitae), Labcorp
Classification: Uncertain significance. Last evaluated: 2024-10-02. Review status: criteria provided, single submitter. Criteria: Invitae Variant Classification Sherloc (09022015). Collection method: clinical testing. Allele origin: germline.
Comment: This sequence change replaces threonine, which is neutral and polar, with isoleucine, which is neutral and non-polar, at codon 107 of the MRPL40 protein (p.Thr107Ile). This variant is present in population databases (rs774156686, gnomAD 0.2%), and has an allele count higher than expected for a pathogenic variant. This variant has not been reported in the literature in individuals affected with MRPL40-related conditions. ClinVar contains an entry for this variant (Variation ID: 2369990). An algorithm developed to predict the effect of missense changes on protein structure and function (PolyPhen-2) suggests that this variant is likely to be tolerated. In summary, the available evidence is currently insufficient to determine the role of this variant in disease. Therefore, it has been classified as a Variant of Uncertain Significance.

Ambry Genetics
Classification: Uncertain significance. Last evaluated: 2022-03-29. Review status: criteria provided, single submitter. Criteria: Ambry Variant Classification Scheme 2023. Collection method: clinical testing. Allele origin: germline.

NM_003776.4(MRPL40):c.320C>T (p.Thr107Ile)

Gene: MRPL40 (mitochondrial ribosomal protein L40; plus strand). Cytogenetic location: 22q11.21.
Variant type: single nucleotide variant.
Coding change: c.320C>T on transcript NM_003776.4 (MANE Select); coding-DNA position 320, C replaced by T.
Protein change: p.Thr107Ile; replaces threonine 107 with isoleucine.
Molecular consequence: missense variant.
Genome position (GRCh38, 1-based): chr22:19,435,661, C>T. VCF-style: chr22-19435661-C-T. GRCh37 (hg19) VCF-style: chr22-19423184-C-T.
Other names: c.188C>T, p.Thr63Ile (NM_001318151.2); short protein forms T107I, T63I.
Identifiers: ClinVar variation 2369990 (VCV002369990.4), dbSNP rs774156686, ClinGen allele CA10100201.